The following is an entry in ClinVar:

ClinVar aggregate classification (germline): Benign/Likely benign. Review status: criteria provided, multiple submitters, no conflicts (2 of 4 stars). 7 submissions from 7 submitters: Benign (4); Likely benign (2). 1 of the submissions does not count toward it. Last evaluated 2026-01-28.

Conditions:
Schinzel-Giedion syndrome (SGS). Identifiers: Orphanet 798, MedGen C0265227, MONDO:0010010, OMIM 269150.
SETBP1-related disorder. Also called: SETBP1-related condition; SETBP1-related disorders.

Allele frequency attached by ClinVar (database versions not stated): gnomAD exomes 0.00054; ExAC 0.00062; ESP Exome Variant Server 0.00177; gnomAD 0.00186 and 0.00192; TOPMed 0.00227; 1000 Genomes Project 0.00300; 1000 Genomes Project 30x 0.00312.
gnomAD v4.1: 564 of 1,614,110 alleles (0.035%); highest among the groups gnomAD compares: African/African-American, 0.67%; 2 homozygotes.

Submissions (7):

Labcorp Genetics (formerly Invitae), Labcorp
Classification: Benign. Last evaluated: 2026-01-28. Review status: criteria provided, single submitter. Criteria: Invitae Variant Classification Sherloc (09022015). Collection method: clinical testing. Allele origin: germline.

Blueprint Genetics
Classification: Likely benign. Last evaluated: 2024-11-26. Review status: criteria provided, single submitter. Criteria: ACMG Guidelines, 2015. Collection method: clinical testing. Allele origin: germline.

ARUP Laboratories, Molecular Genetics and Genomics, ARUP Laboratories
Classification: Benign. Last evaluated: 2024-09-17. Review status: criteria provided, single submitter. Criteria: ARUP Molecular Germline Variant Investigation Process 2024. Collection method: clinical testing. Allele origin: germline.

KCCC/NGS Laboratory, Kuwait Cancer Control Center
Classification: Likely benign for Schinzel-Giedion syndrome. Last evaluated: 2023-07-07. Review status: criteria provided, single submitter. Criteria: ACMG Guidelines, 2015. Collection method: clinical testing. Allele origin: germline. Affected: yes.

GeneDx
Classification: Benign. Last evaluated: 2020-07-30. Review status: criteria provided, single submitter. Criteria: GeneDx Variant Classification Process June 2021. Collection method: clinical testing. Allele origin: germline. Affected: yes.

Breakthrough Genomics
Classification: Benign. Review status: criteria provided, single submitter. Criteria: ACMG Guidelines, 2015. Collection method: not provided. Allele origin: germline. Inheritance: Autosomal dominant inheritance. Affected: yes.

PreventionGenetics, part of Exact Sciences
Classification: Benign for SETBP1-related condition. Last evaluated: 2022-01-19. Review status: no assertion criteria provided. Collection method: clinical testing. Allele origin: germline. Not counted in ClinVar's aggregate classification.
Comment: This variant is classified as benign based on ACMG/AMP sequence variant interpretation guidelines (Richards et al. 2015 PMID: 25741868, with internal and published modifications).

NM_015559.3(SETBP1):c.1158C>T (p.Asn386=)

Gene: SETBP1 (SET binding protein 1; plus strand). Cytogenetic location: 18q12.3.
Variant type: single nucleotide variant.
Coding change: c.1158C>T on transcript NM_015559.3 (MANE Select); coding-DNA position 1158, C replaced by T.
Protein change: p.Asn386=; no amino-acid change (asparagine 386 retained).
Molecular consequence: synonymous variant.
Genome position (GRCh38, 1-based): chr18:44,950,498, C>T. VCF-style: chr18-44950498-C-T. GRCh37 (hg19) VCF-style: chr18-42530463-C-T.
Other names: c.1158C>T, p.Asn386= (LRG_1150t1).
Identifiers: ClinVar variation 326736 (VCV000326736.17), dbSNP rs73472918, ClinGen allele CA8945567.